The following is an entry in ClinVar:

ClinVar aggregate classification (germline): Uncertain significance (1 of 4 stars; one submission).

Submission:

Labcorp Genetics (formerly Invitae), Labcorp
Classification: Uncertain significance. Last evaluated: 2024-04-10. Review status: criteria provided, single submitter. Criteria: Invitae Variant Classification Sherloc (09022015). Collection method: clinical testing. Allele origin: germline.
Comment: This variant, c.171_179dup, results in the insertion of 3 amino acid(s) of the EXTL3 protein (p.Asp58_Ala60dup), but otherwise preserves the integrity of the reading frame. This variant is present in population databases (rs761888477, gnomAD 0.03%). This variant has not been reported in the literature in individuals affected with EXTL3-related conditions. ClinVar contains an entry for this variant (Variation ID: 1372161). Experimental studies and prediction algorithms are not available or were not evaluated, and the functional significance of this variant is currently unknown. In summary, the available evidence is currently insufficient to determine the role of this variant in disease. Therefore, it has been classified as a Variant of Uncertain Significance.

NM_001440.4(EXTL3):c.171_179dup (p.55DEA[3])

Gene: EXTL3 (exostosin like glycosyltransferase 3; plus strand). Cytogenetic location: 8p21.1.
Variant type: Duplication.
Coding change: c.171_179dup on transcript NM_001440.4 (MANE Select); coding-DNA positions 171 to 179, 9 bases duplicated (TGATGAGGC; older notation c.171_179dupTGATGAGGC).
Protein change: p.55DEA[3].
Molecular consequence: inframe insertion.
Genome position (GRCh38, 1-based): chr8:28,716,230-28,716,238, TGATGAGGC duplicated; duplicating any 9 consecutive bases within chr8:28,716,222-28,716,238 gives the same sequence; the c. name uses the placement nearest the transcript's 3' end. VCF-style (leftmost placement, unchanged base first): chr8-28716221-G-GGATGAGGCT. GRCh37 (hg19) VCF-style: chr8-28573738-G-GGATGAGGCT.
Identifiers: ClinVar variation 1372161 (VCV001372161.4), dbSNP rs761888477, ClinGen allele CA4695941.